The following is an entry in ClinVar:

ClinVar aggregate classification (germline): Likely pathogenic (1 of 4 stars; one submission).

Conditions:
Familial cancer of breast. Also called: hereditary breast carcinoma; BREAST CANCER, FAMILIAL; Hereditary breast cancer. Identifiers: Orphanet 227535, MedGen C0346153, MONDO:0016419, OMIM 114480. Disease mechanism: loss of function.

Submission:

Myriad Genetics, Inc.
Classification: Likely pathogenic for Familial cancer of breast. Last evaluated: 2024-09-18. Review status: criteria provided, single submitter. Criteria: Myriad Autosomal Dominant, Autosomal Recessive and X-Linked Classification Criteria (2023). Collection method: clinical testing. Allele origin: unknown.
Comment: This variant is considered likely pathogenic. This variant occurs within a consensus splice junction and is predicted to result in abnormal mRNA splicing of either an out-of-frame exon or an in-frame exon necessary for protein stability and/or normal function.

NM_000051.4(ATM):c.6095+2T>G

Genes: ATM (ATM serine/threonine kinase; plus strand), C11orf65 (chromosome 11 open reading frame 65; minus strand). Cytogenetic location: 11q22.3.
Variant type: single nucleotide variant.
Coding change: c.6095+2T>G on transcript NM_000051.4 (MANE Select); the canonical splice donor site of the intron after coding-DNA position 6095, T replaced by G.
Molecular consequence: splice donor variant. On other transcripts: intron variant (2).
Genome position (GRCh38, 1-based): chr11:108,315,913, T>G. VCF-style: chr11-108315913-T-G. GRCh37 (hg19) VCF-style: chr11-108186640-T-G.
Other names: c.6095+2T>G (NM_001351834.2); c.641-6842A>C (NM_001330368.2); c.*39-6842A>C (NM_001351110.2).
Identifiers: ClinVar variation 3378426 (VCV003378426.1).